The following is an entry in ClinVar:

ClinVar aggregate classification (germline): Uncertain significance (1 of 4 stars; one submission).

Allele frequency attached by ClinVar (database versions not stated): TOPMed below 0.00001; gnomAD 0.00001.
gnomAD v4.1: 2 of 1,614,050 alleles (0.00012%); highest among the groups gnomAD compares: Non-Finnish European, 0.00017%; no homozygotes.

Submission:

GeneDx
Classification: Uncertain significance. Last evaluated: 2022-07-22. Review status: criteria provided, single submitter. Criteria: GeneDx Variant Classification Process June 2021. Collection method: clinical testing. Allele origin: germline. Affected: yes.
Comment: Not observed at significant frequency in large population cohorts (gnomAD); In silico analysis supports that this missense variant does not alter protein structure/function; Has not been previously published as pathogenic or benign to our knowledge

NM_014112.5(TRPS1):c.884T>G (p.Val295Gly)

Gene: TRPS1 (transcriptional repressor GATA binding 1; minus strand). Cytogenetic location: 8q23.3.
Variant type: single nucleotide variant.
Coding change: c.884T>G on transcript NM_014112.5 (MANE Select); coding-DNA position 884, T replaced by G.
Protein change: p.Val295Gly; replaces valine 295 with glycine.
Molecular consequence: missense variant.
Genome position (GRCh38, 1-based): chr8:115,619,214, A>C on the plus strand (T>G on the coding strand, the complement: TRPS1 is on the minus strand). VCF-style: chr8-115619214-A-C. GRCh37 (hg19) VCF-style: chr8-116631441-A-C.
Other names: c.857T>G, p.Val286Gly (NM_001282902.3); c.863T>G, p.Val288Gly (NM_001282903.3); c.845T>G, p.Val282Gly (NM_001330599.2); short protein forms V288G, V286G, V295G, V282G.
Identifiers: ClinVar variation 2136192 (VCV002136192.1), dbSNP rs1316599674, ClinGen allele CA372068638.